The following is an entry in ClinVar:

NM_001394028.1(PYY):c.270-61C>T

Gene: PYY (peptide YY; minus strand). Cytogenetic location: 17q21.31.
Variant type: single nucleotide variant.
Coding change: c.270-61C>T on transcript NM_001394028.1 (MANE Select); 61 bases into the intron before coding-DNA position 270, C replaced by T.
Molecular consequence: intron variant. On other transcripts: 3 prime UTR variant (1).
Genome position (GRCh38, 1-based): chr17:43,953,041, G>A on the plus strand (C>T on the coding strand, the complement: PYY is on the minus strand). VCF-style: chr17-43953041-G-A. GRCh37 (hg19) VCF-style: chr17-42030409-G-A.
Other names: c.*64C>T (NM_001394029.1); c.270-61C>T (NM_004160.6).
Identifiers: ClinVar variation 1243115 (VCV001243115.3), dbSNP rs162430, ClinGen allele CA14379177.

ClinVar aggregate classification (germline): Benign. Review status: criteria provided, multiple submitters, no conflicts (2 of 4 stars). 2 submissions from 2 submitters: Benign (2). Last evaluated 2018-07-09.

Allele frequency attached by ClinVar (database versions not stated): gnomAD exomes 0.13374; ESP Exome Variant Server 0.19908; gnomAD 0.23227 and 0.23568; TOPMed 0.25736; 1000 Genomes Project 30x 0.36102; 1000 Genomes Project 0.36542.
gnomAD v4.1: 230,233 of 1,590,194 alleles (14%); highest among the groups gnomAD compares: East Asian, 68%; 29,811 homozygotes.

Submissions (2):

GeneDx
Classification: Benign. Last evaluated: 2018-07-09. Review status: criteria provided, single submitter. Criteria: GeneDx Variant Classification Process June 2021. Collection method: clinical testing. Allele origin: germline. Affected: yes.
Comment: This variant is associated with the following publications: (PMID: 14551916)

Breakthrough Genomics
Classification: Benign. Review status: criteria provided, single submitter. Criteria: ACMG Guidelines, 2015. Collection method: not provided. Allele origin: germline. Inheritance: Unknown mechanism. Affected: yes.